The following is an entry in ClinVar:

NM_021922.3(FANCE):c.1071C>T (p.Leu357=)

Gene: FANCE (FA complementation group E; plus strand). Cytogenetic location: 6p21.31.
Variant type: single nucleotide variant.
Coding change: c.1071C>T on transcript NM_021922.3 (MANE Select); coding-DNA position 1071, C replaced by T.
Protein change: p.Leu357=; no amino-acid change (leucine 357 retained).
Molecular consequence: synonymous variant.
Genome position (GRCh38, 1-based): chr6:35,458,398, C>T. VCF-style: chr6-35458398-C-T. GRCh37 (hg19) VCF-style: chr6-35426175-C-T.
Other names: p.Leu357=.
Identifiers: ClinVar variation 261432 (VCV000261432.23), dbSNP rs3823434, ClinGen allele CA3771591.

ClinVar aggregate classification (germline): Benign/Likely benign. Review status: criteria provided, multiple submitters, no conflicts (2 of 4 stars). 9 submissions from 9 submitters: Benign (7); Likely benign (1). 1 of the submissions does not count toward it. Last evaluated 2026-02-04.

Conditions:
Fanconi anemia complementation group E (FANCE). Also called: FANCE-Related Fanconi Anemia. Identifiers: Orphanet 84, MedGen C3160739, MONDO:0010953, OMIM 600901.

Allele frequency attached by ClinVar (database versions not stated): ESP Exome Variant Server 0.01784; gnomAD 0.02388 and 0.02683; TOPMed 0.02667; gnomAD exomes 0.03002 and 0.04022; ExAC 0.03830; 1000 Genomes Project 30x 0.05434; 1000 Genomes Project 0.05831.
gnomAD v4.1: 48,474 of 1,614,144 alleles (3%); highest among the groups gnomAD compares: East Asian, 15%; 1,347 homozygotes.

Submissions (9):

Labcorp Genetics (formerly Invitae), Labcorp
Classification: Benign for Fanconi anemia complementation group E. Last evaluated: 2026-02-04. Review status: criteria provided, single submitter. Criteria: Invitae Variant Classification Sherloc (09022015). Collection method: clinical testing. Allele origin: germline.

ARUP Laboratories, Molecular Genetics and Genomics, ARUP Laboratories
Classification: Benign for Fanconi anemia complementation group E. Last evaluated: 2025-05-19. Review status: criteria provided, single submitter. Criteria: ARUP Molecular Germline Variant Investigation Process 2024. Collection method: clinical testing. Allele origin: germline.

Blueprint Genetics
Classification: Likely benign. Last evaluated: 2024-11-26. Review status: criteria provided, single submitter. Criteria: ACMG Guidelines, 2015. Collection method: clinical testing. Allele origin: germline.

KCCC/NGS Laboratory, Kuwait Cancer Control Center
Classification: Benign for Fanconi anemia complementation group E. Last evaluated: 2023-07-07. Review status: criteria provided, single submitter. Criteria: ACMG Guidelines, 2015. Collection method: clinical testing. Allele origin: germline. Affected: yes.

Mayo Clinic Laboratories, Mayo Clinic
Classification: Benign. Last evaluated: 2022-09-06. Review status: criteria provided, single submitter. Criteria: ACMG Guidelines, 2015. Collection method: clinical testing. Allele origin: germline. Observed: 3 variant alleles.

GeneDx
Classification: Benign. Last evaluated: 2019-01-14. Review status: criteria provided, single submitter. Criteria: GeneDx Variant Classification Process June 2021. Collection method: clinical testing. Allele origin: germline. Affected: yes.

Illumina Laboratory Services, Illumina
Classification: Benign for Fanconi anemia complementation group E. Last evaluated: 2018-01-13. Review status: criteria provided, single submitter. Criteria: ICSL Variant Classification Criteria 13 December 2019. Collection method: clinical testing. Allele origin: germline.
Comment: This variant was observed in the ICSL laboratory as part of a predisposition screen in an ostensibly healthy population. It had not been previously curated by ICSL or reported in the Human Gene Mutation Database (HGMD: prior to June 1st, 2018), and was therefore a candidate for classification through an automated scoring system. Utilizing variant allele frequency, disease prevalence and penetrance estimates, and inheritance mode, an automated score was calculated to assess if this variant is too frequent to cause the disease. Based on the score and internal cut-off values, a variant classified as benign is not then subjected to further curation. The score for this variant resulted in a classification of benign for this disease.

PreventionGenetics, part of Exact Sciences
Classification: Benign. Review status: criteria provided, single submitter. Criteria: ACMG Guidelines, 2015. Collection method: clinical testing. Allele origin: germline.

Leiden Open Variation Database
Classification: Uncertain significance. Last evaluated: 2011-02-07. Review status: no assertion criteria provided. Collection method: curation. Allele origin: germline. Affected: yes. Not counted in ClinVar's aggregate classification.
Comment: Curator: Arleen D. Auerbach. Submitter to LOVD: Arleen D. Auerbach.

Literature cited by the submitters: PubMed 14695169 (cited by Leiden Open Variation Database).